The following is an entry in ClinVar:

NM_001170700.3(DTHD1):c.1817T>C (p.Leu606Pro)

Gene: DTHD1 (death domain containing 1; plus strand). Cytogenetic location: 4p14.
Variant type: single nucleotide variant.
Coding change: c.1817T>C on transcript NM_001170700.3 (MANE Select); coding-DNA position 1817, T replaced by C.
Protein change: p.Leu606Pro; replaces leucine 606 with proline.
Molecular consequence: missense variant. On other transcripts: non-coding transcript variant (2).
Genome position (GRCh38, 1-based): chr4:36,308,215, T>C. VCF-style: chr4-36308215-T-C. GRCh37 (hg19) VCF-style: chr4-36309837-T-C.
Other names: c.947T>C, p.Leu316Pro (NM_001136536.5); c.884T>C, p.Leu295Pro (NM_001378435.1); short protein forms L316P, L295P, L606P.
Identifiers: ClinVar variation 856266 (VCV000856266.8), dbSNP rs781583416, ClinGen allele CA2885679.
Genomic context (GRCh38, chr4:36,308,215, plus strand): 5'-TCTTGACACTGCATTTTTCCCTGGGGTCTCACCTCTTTCTTCCATGCAGGTTTATTGTAC[T>C]TCACCTCTCTTCCACCATGGACAATAGTCATTTGGTTACTTTTGTGAAATCTTTAGAGGA-3'
Protein context (NP_001164171.2, residues 596-616): LYEHLERFIV[Leu606Pro]HLSSTMDNSH

ClinVar aggregate classification (germline): Uncertain significance. Review status: criteria provided, multiple submitters, no conflicts (2 of 4 stars). 2 submissions from 2 submitters: Uncertain significance (2). Last evaluated 2025-11-28.

Allele frequency attached by ClinVar (database versions not stated): ExAC 0.00004; gnomAD 0.00007; gnomAD exomes 0.00007 and 0.00010; TOPMed 0.00007.
gnomAD v4.1: 107 of 1,552,146 alleles (0.0069%); highest among the groups gnomAD compares: Non-Finnish European, 0.0086%; no homozygotes.

Submissions (2):

Labcorp Genetics (formerly Invitae), Labcorp
Classification: Uncertain significance. Last evaluated: 2025-11-28. Review status: criteria provided, single submitter. Criteria: Invitae Variant Classification Sherloc (09022015). Collection method: clinical testing. Allele origin: germline.
Comment: This sequence change replaces leucine, which is neutral and non-polar, with proline, which is neutral and non-polar, at codon 316 of the DTHD1 protein (p.Leu316Pro). This variant is present in population databases (rs781583416, gnomAD 0.03%). This variant has not been reported in the literature in individuals affected with DTHD1-related conditions. ClinVar contains an entry for this variant (Variation ID: 856266). An algorithm developed to predict the effect of missense changes on protein structure and function (PolyPhen-2) suggests that this variant is likely to be disruptive. In summary, the available evidence is currently insufficient to determine the role of this variant in disease. Therefore, it has been classified as a Variant of Uncertain Significance.

Blueprint Genetics
Classification: Uncertain significance. Last evaluated: 2024-09-05. Review status: criteria provided, single submitter. Criteria: ACMG Guidelines, 2015. Collection method: clinical testing. Allele origin: germline.